The following is an entry in ClinVar:

ClinVar aggregate classification (germline): Uncertain significance (1 of 4 stars; one submission).

Conditions:
Cardiovascular phenotype. Identifiers: MedGen CN230736.

Allele frequency attached by ClinVar (database versions not stated): gnomAD 0.00001; gnomAD exomes 0.00001; TOPMed 0.00001; ExAC 0.00006.
gnomAD v4.1: 19 of 1,549,602 alleles (0.0012%); highest among the groups gnomAD compares: Non-Finnish European, 0.0015%; no homozygotes.

Submission:

Ambry Genetics
Classification: Uncertain significance for Cardiovascular phenotype. Last evaluated: 2023-03-03. Review status: criteria provided, single submitter. Criteria: Ambry Variant Classification Scheme 2023. Collection method: clinical testing. Allele origin: germline.
Comment: The p.A1409T variant (also known as c.4225G>A), located in coding exon 2 of the ZNF469 gene, results from a G to A substitution at nucleotide position 4225. The alanine at codon 1409 is replaced by threonine, an amino acid with similar properties. This amino acid position is conserved. In addition, this alteration is predicted to be tolerated by in silico analysis. Since supporting evidence is limited at this time, the clinical significance of this alteration remains unclear.

NM_001367624.2(ZNF469):c.4309G>A (p.Ala1437Thr)

Gene: ZNF469 (zinc finger protein 469; plus strand). Cytogenetic location: 16q24.2.
Variant type: single nucleotide variant.
Coding change: c.4309G>A on transcript NM_001367624.2 (MANE Select); coding-DNA position 4309, G replaced by A.
Protein change: p.Ala1437Thr; replaces alanine 1437 with threonine.
Molecular consequence: missense variant.
Genome position (GRCh38, 1-based): chr16:88,431,779, G>A. VCF-style: chr16-88431779-G-A. GRCh37 (hg19) VCF-style: chr16-88498187-G-A.
Other names: NM_001127464.1:c.4225G>A; short protein forms A1437T.
Identifiers: ClinVar variation 2449530 (VCV002449530.2), dbSNP rs765117778, ClinGen allele CA8224935.